The following is an entry in ClinVar:

NM_000051.4(ATM):c.3375G>A (p.Leu1125=)

Gene: ATM (ATM serine/threonine kinase; plus strand). Cytogenetic location: 11q22.3.
Variant type: single nucleotide variant.
Coding change: c.3375G>A on transcript NM_000051.4 (MANE Select); coding-DNA position 3375, G replaced by A.
Protein change: p.Leu1125=; no amino-acid change (leucine 1125 retained).
Molecular consequence: synonymous variant.
Genome position (GRCh38, 1-based): chr11:108,279,581, G>A. VCF-style: chr11-108279581-G-A. GRCh37 (hg19) VCF-style: chr11-108150308-G-A.
Other names: c.3375G>A, p.Leu1125= (NM_001351834.2).
Identifiers: ClinVar variation 1099479 (VCV001099479.12), dbSNP rs760821273, ClinGen allele CA6265271.

ClinVar aggregate classification (germline): Benign/Likely benign. Review status: criteria provided, multiple submitters, no conflicts (2 of 4 stars). 3 submissions from 3 submitters: Benign (1); Likely benign (2). Last evaluated 2024-05-14.

Conditions:
Ataxia-telangiectasia syndrome (AT). Also called: Cerebello-oculocutaneous telangiectasia; Immunodeficiency with ataxia telangiectasia; Ataxia-telangiectasia, complementation group D; AT, COMPLEMENTATION GROUP C; ATAXIA-TELANGIECTASIA, COMPLEMENTATION GROUP A; ATAXIA-TELANGIECTASIA, FRESNO VARIANT. Identifiers: Orphanet 100, MedGen C0004135, MONDO:0008840, OMIM 208900.
Familial cancer of breast. Also called: hereditary breast carcinoma; Hereditary breast cancer; BREAST CANCER, FAMILIAL. Identifiers: Orphanet 227535, MedGen C0346153, MONDO:0016419, OMIM 114480. Disease mechanism: loss of function.
Hereditary cancer-predisposing syndrome. Also called: Neoplastic Syndromes, Hereditary; Hereditary neoplastic syndrome; Hereditary Cancer Syndrome; Tumor predisposition. Identifiers: Orphanet 140162, MedGen C0027672, MeSH D009386, MONDO:0015356.

Allele frequency attached by ClinVar (database versions not stated): gnomAD exomes below 0.00001; ExAC 0.00001.
gnomAD v4.1: 4 of 1,612,192 alleles (0.00025%); highest among the groups gnomAD compares: South Asian, 0.0044%; no homozygotes.

Submissions (3):

Myriad Genetics, Inc.
Classification: Benign for Familial cancer of breast. Last evaluated: 2024-05-14. Review status: criteria provided, single submitter. Criteria: Myriad Autosomal Dominant, Autosomal Recessive and X-Linked Classification Criteria (2023). Collection method: clinical testing. Allele origin: unknown.
Comment: This variant is considered benign. This variant is a silent/synonymous amino acid change and it is not expected to impact splicing.

Labcorp Genetics (formerly Invitae), Labcorp
Classification: Likely benign for Ataxia-telangiectasia syndrome. Last evaluated: 2023-01-06. Review status: criteria provided, single submitter. Criteria: Invitae Variant Classification Sherloc (09022015). Collection method: clinical testing. Allele origin: germline.

Ambry Genetics
Classification: Likely benign for Hereditary cancer-predisposing syndrome. Last evaluated: 2021-09-17. Review status: criteria provided, single submitter. Criteria: Ambry Variant Classification Scheme 2023. Collection method: clinical testing. Allele origin: germline.